The following is an entry in ClinVar:

NM_004667.6(HERC2):c.14118G>A (p.Glu4706=)

Gene: HERC2 (HECT and RLD domain containing E3 ubiquitin protein ligase 2; minus strand). Cytogenetic location: 15q13.1.
Variant type: single nucleotide variant.
Coding change: c.14118G>A on transcript NM_004667.6 (MANE Select); coding-DNA position 14118, G replaced by A.
Protein change: p.Glu4706=; no amino-acid change (glutamic acid 4706 retained).
Molecular consequence: synonymous variant.
Genome position (GRCh38, 1-based): chr15:28,113,185, C>T on the plus strand (G>A on the coding strand, the complement: HERC2 is on the minus strand). VCF-style: chr15-28113185-C-T. GRCh37 (hg19) VCF-style: chr15-28358331-C-T.
Identifiers: ClinVar variation 788709 (VCV000788709.35), dbSNP rs137918449, ClinGen allele CA7439729.

ClinVar aggregate classification (germline): Benign. Review status: criteria provided, multiple submitters, no conflicts (2 of 4 stars). 4 submissions from 4 submitters: Benign (3). 1 of the submissions does not count toward it. Last evaluated 2026-09-01.

Conditions:
HERC2-related disorder. Also called: HERC2-related condition.

Allele frequency attached by ClinVar (database versions not stated): ExAC 0.00293; 1000 Genomes Project 30x 0.00109; ESP Exome Variant Server 0.00131; 1000 Genomes Project 0.00140; gnomAD 0.00145 and 0.00176; TOPMed 0.00181; gnomAD exomes 0.00240 and 0.00287.
gnomAD v4.1: 3,829 of 1,614,122 alleles (0.24%); highest among the groups gnomAD compares: South Asian, 1%; 36 homozygotes.

Submissions (4):

CeGaT Center for Human Genetics Tuebingen
Classification: Benign. Last evaluated: 2026-09-01. Review status: criteria provided, single submitter. Criteria: CeGaT Center For Human Genetics Tuebingen Variant Classification Criteria Version 2. Collection method: clinical testing. Allele origin: germline. Affected: yes. Observed: 34 variant alleles.
Comment: HERC2: BP4, BP7, BS1, BS2

Labcorp Genetics (formerly Invitae), Labcorp
Classification: Benign. Last evaluated: 2019-12-31. Review status: criteria provided, single submitter. Criteria: Invitae Variant Classification Sherloc (09022015). Collection method: clinical testing. Allele origin: germline.

Breakthrough Genomics
Classification: Benign. Review status: criteria provided, single submitter. Criteria: ACMG Guidelines, 2015. Collection method: not provided. Allele origin: germline. Inheritance: Autosomal recessive inheritance. Affected: yes.

PreventionGenetics, part of Exact Sciences
Classification: Benign for HERC2-related condition. Last evaluated: 2024-09-24. Review status: no assertion criteria provided. Collection method: clinical testing. Allele origin: germline. Not counted in ClinVar's aggregate classification.
Comment: This variant is classified as benign based on ACMG/AMP sequence variant interpretation guidelines (Richards et al. 2015 PMID: 25741868, with internal and published modifications).